The following is an entry in ClinVar:

ClinVar aggregate classification (germline): Uncertain significance. Review status: criteria provided, multiple submitters, no conflicts (2 of 4 stars). 2 submissions from 2 submitters: Uncertain significance (2). Last evaluated 2026-03-17.

Conditions:
MAGEL2-related disorder. Also called: MAGEL2-related condition.

gnomAD v4.1: 5 of 1,424,178 alleles (0.00035%); highest among the groups gnomAD compares: Non-Finnish European, 0.00036%; no homozygotes.

Submissions (2):

PreventionGenetics, part of Exact Sciences
Classification: Uncertain significance for MAGEL2-related condition. Last evaluated: 2026-03-17. Review status: criteria provided, single submitter. Criteria: ACMG Guidelines, 2015. Collection method: clinical testing. Allele origin: germline.
Comment: The MAGEL2 c.1304C>A variant is predicted to result in the amino acid substitution p.Pro435Gln. To our knowledge, this variant has not been reported in the literature or in a large population database, indicating this variant is rare. At this time, the clinical significance of this variant is uncertain due to the absence of conclusive functional and genetic evidence.

Labcorp Genetics (formerly Invitae), Labcorp
Classification: Uncertain significance. Last evaluated: 2024-03-28. Review status: criteria provided, single submitter. Criteria: Invitae Variant Classification Sherloc (09022015). Collection method: clinical testing. Allele origin: germline.
Comment: This sequence change replaces proline, which is neutral and non-polar, with glutamine, which is neutral and polar, at codon 435 of the MAGEL2 protein (p.Pro435Gln). This variant is not present in population databases (gnomAD no frequency). This variant has not been reported in the literature in individuals affected with MAGEL2-related conditions. ClinVar contains an entry for this variant (Variation ID: 2173015). Experimental studies and prediction algorithms are not available or were not evaluated, and the functional significance of this variant is currently unknown. In summary, the available evidence is currently insufficient to determine the role of this variant in disease. Therefore, it has been classified as a Variant of Uncertain Significance.

NM_019066.5(MAGEL2):c.1304C>A (p.Pro435Gln)

Gene: MAGEL2 (MAGE family member L2; minus strand). Cytogenetic location: 15q11.2.
Variant type: single nucleotide variant.
Coding change: c.1304C>A on transcript NM_019066.5 (MANE Select); coding-DNA position 1304, C replaced by A.
Protein change: p.Pro435Gln; replaces proline 435 with glutamine.
Molecular consequence: missense variant.
Genome position (GRCh38, 1-based): chr15:23,646,439, G>T on the plus strand (C>A on the coding strand, the complement: MAGEL2 is on the minus strand). VCF-style: chr15-23646439-G-T. GRCh37 (hg19) VCF-style: chr15-23891586-G-T.
Other names: c.1304C>A (NM_019066.4); short protein forms P435Q.
Identifiers: ClinVar variation 2173015 (VCV002173015.6), dbSNP rs2233062, ClinGen allele CA391334564.